The following is an entry in ClinVar:

NM_020774.4(MIB1):c.1892A>G (p.Asp631Gly)

Gene: MIB1 (MIB E3 ubiquitin protein ligase 1; plus strand). Cytogenetic location: 18q11.2.
Variant type: single nucleotide variant.
Coding change: c.1892A>G on transcript NM_020774.4 (MANE Select); coding-DNA position 1892, A replaced by G.
Protein change: p.Asp631Gly; replaces aspartic acid 631 with glycine.
Molecular consequence: missense variant.
Genome position (GRCh38, 1-based): chr18:21,838,427, A>G. VCF-style: chr18-21838427-A-G. GRCh37 (hg19) VCF-style: chr18-19418388-A-G.
Other names: short protein forms D631G.
Identifiers: ClinVar variation 1782091 (VCV001782091.2), dbSNP rs2510758951, ClinGen allele CA401761285.

ClinVar aggregate classification (germline): Uncertain significance (1 of 4 stars; one submission).

Conditions:
Inborn genetic diseases. Identifiers: MedGen C0950123, MeSH D030342.

gnomAD v4.1: 1 of 1,610,398 alleles (0.000062%); no homozygotes.

Submission:

Ambry Genetics
Classification: Uncertain significance for Inborn genetic diseases. Last evaluated: 2021-07-07. Review status: criteria provided, single submitter. Criteria: Ambry Variant Classification Scheme 2023. Collection method: clinical testing. Allele origin: germline.
Comment: The p.D631G variant (also known as c.1892A>G), located in coding exon 13 of the MIB1 gene, results from an A to G substitution at nucleotide position 1892. The aspartic acid at codon 631 is replaced by glycine, an amino acid with similar properties. This amino acid position is conserved. In addition, this alteration is predicted to be deleterious by in silico analysis. Since supporting evidence is limited at this time, the clinical significance of this alteration remains unclear.